The following is an entry in ClinVar:

ClinVar aggregate classification (germline): Conflicting classifications of pathogenicity. Review status: criteria provided, conflicting classifications (1 of 4 stars). 5 submissions from 5 submitters: Likely pathogenic (1); Uncertain significance (4). Last evaluated 2026-06-04.

Conditions:
Inborn genetic diseases. Identifiers: MedGen C0950123, MeSH D030342.
Autosomal recessive limb-girdle muscular dystrophy type 2A (LGMDR1). Also called: Muscular dystrophy, limb-girdle, type 2A, Amish; Limb-girdle muscular dystrophy, type 2A; Calpainopathy; LEYDEN-MOEBIUS MUSCULAR DYSTROPHY; MUSCULAR DYSTROPHY, PELVOFEMORAL. Identifiers: Orphanet 267, MedGen C1869123, MONDO:0009675, OMIM 253600. Disease mechanism: loss of function.

Allele frequency attached by ClinVar (database versions not stated): gnomAD exomes 0.00001 and below 0.00001; ExAC 0.00001.
gnomAD v4.1: 7 of 1,614,146 alleles (0.00043%); highest among the groups gnomAD compares: South Asian, 0.0077%; no homozygotes.

Submissions (5):

Ambry Genetics
Classification: Likely pathogenic for Inborn genetic diseases. Last evaluated: 2026-06-04. Review status: criteria provided, single submitter. Criteria: Ambry Variant Classification Scheme 2023. Collection method: clinical testing. Allele origin: germline.
Comment: The c.[608C>T; 749A>G] (p.[A203V; K250R]) complex allele affects exon 4 and exon 5 of the CAPN3 gene. This alteration results from a C to T substitution at nucleotide position 608, causing the alanine (A) at amino acid position 203 to be replaced by a valine (V), and from an A to G substitution at nucleotide position 749, causing the lysine (K) at amino acid position 250 to be replaced by an arginine (R). for autosomal recessive CAPN3-related limb-girdle muscular dystrophy; however, its clinical significance for autosomal dominant CAPN3-related limb-girdle muscular dystrophy is uncertain. Based on data from the Genome Aggregation Database (gnomAD), the c.608C>T alteration was observed in 0.0008% (2/251,458) of total alleles studied, with a frequency of 0.0065% (2/30,616) in the South Asian subpopulation. The c.749A>G alteration was observed in 0.0012% (3/251,418) of total alleles studied, with a frequency of 0.0098% (3/30,616) in the South Asian subpopulation. The CAPN3 c.[608C>T; 749A>G] complex allele has been identified in the homozygous state and/or in conjunction with other CAPN3 variant(s) in individual(s) with features consistent with autosomal recessive CAPN3-related limb-girdle muscular dystrophy (Ganaraja, 2022; external communication). The p.A203 amino acid position is highly conserved in available vertebrate species and the p.K250 amino acid position is well conserved in available vertebrate species. The p.A203V alteration is predicted to be deleterious by in silico analysis; however, the in silico prediction for the p.K250R alteration is inconclusive. Based on the available evidence, this alteration is classified as likely pathogenic.

Women's Health and Genetics/Laboratory Corporation of America, LabCorp
Classification: Uncertain significance. Last evaluated: 2025-01-27. Review status: criteria provided, single submitter. Criteria: LabCorp Variant Classification Summary - May 2015. Collection method: clinical testing. Allele origin: germline.
Comment: Variant summary: CAPN3 c.749A>G (p.Lys250Arg) results in a conservative amino acid change located in the calpain-like thiol protease family domain (IPR001300) of the encoded protein sequence. Three of five in-silico tools predict a benign effect of the variant on protein function. The variant allele was found at a frequency of 1.2e-05 in 251418 control chromosomes. The available data on variant occurrences in the general population are insufficient to allow any conclusion about variant significance. c.749A>G has been reported in the literature in at least one homozygous individual affected with Limb-Girdle Muscular Dystrophy, however this individual was also found to have an additional homozygous variant in CAPN3 (e.g., Ganaraja_2022). Therefore, these report(s) do not provide unequivocal conclusions about association of the variant with Limb-Girdle Muscular Dystrophy, Autosomal Recessive. To our knowledge, no experimental evidence demonstrating an impact on protein function has been reported. The following publication has been ascertained in the context of this evaluation (PMID: 35169782). ClinVar contains an entry for this variant (Variation ID: 289752). Based on the evidence outlined above, the variant was classified as uncertain significance.

Labcorp Genetics (formerly Invitae), Labcorp
Classification: Uncertain significance for Autosomal recessive limb-girdle muscular dystrophy type 2A. Last evaluated: 2024-12-13. Review status: criteria provided, single submitter. Criteria: Invitae Variant Classification Sherloc (09022015). Collection method: clinical testing. Allele origin: germline.
Comment: This sequence change replaces lysine, which is basic and polar, with arginine, which is basic and polar, at codon 250 of the CAPN3 protein (p.Lys250Arg). This variant is present in population databases (rs779939785, gnomAD 0.01%). This variant has not been reported in the literature in individuals affected with CAPN3-related conditions. ClinVar contains an entry for this variant (Variation ID: 289752). Invitae Evidence Modeling of protein sequence and biophysical properties (such as structural, functional, and spatial information, amino acid conservation, physicochemical variation, residue mobility, and thermodynamic stability) indicates that this missense variant is not expected to disrupt CAPN3 protein function with a negative predictive value of 80%. In summary, the available evidence is currently insufficient to determine the role of this variant in disease. Therefore, it has been classified as a Variant of Uncertain Significance.

3billion
Classification: Uncertain significance for Autosomal recessive limb-girdle muscular dystrophy type 2A. Last evaluated: 2024-07-30. Review status: criteria provided, single submitter. Criteria: ACMG Guidelines, 2015. Collection method: clinical testing. Allele origin: germline. Affected: yes.
Comment: The variant is observed at an extremely low frequency in the gnomAD v4.0.0 dataset (total allele frequency: <0.001%). In silico tool predictions suggest no damaging effect of the variant on gene or gene product [REVEL: 0.40 (<0.4); 3Cnet: 0.14 (<0.15)]. The same nucleotide change resulting in the same amino acid change has been previously reported to be associated with CAPN3- related disorder (PMID: 35169782 / 3billion dataset). The variant is in cis with likely pathogenic NM_000070.3:c.608C>T (NP_000061.1:p.Ala203Val). Therefore, this variant is classified as uncertain significance according to the recommendation of ACMG/AMP guideline.

Eurofins Ntd Llc (ga)
Classification: Uncertain significance. Last evaluated: 2016-07-27. Review status: criteria provided, single submitter. Criteria: EGL Classification Definitions 2015. Collection method: clinical testing. Allele origin: germline. Observed: 1 variant allele, 1 homozygote.

Literature cited by the submitters: PubMed 35169782 (cited by Ambry Genetics and Women's Health and Genetics/Laboratory Corporation of America, LabCorp).

NM_000070.3(CAPN3):c.749A>G (p.Lys250Arg)

Gene: CAPN3 (calpain 3; plus strand). Cytogenetic location: 15q15.1.
Variant type: single nucleotide variant.
Coding change: c.749A>G on transcript NM_000070.3 (MANE Select); coding-DNA position 749, A replaced by G.
Protein change: p.Lys250Arg; replaces lysine 250 with arginine.
Molecular consequence: missense variant.
Genome position (GRCh38, 1-based): chr15:42,389,044, A>G. VCF-style: chr15-42389044-A-G. GRCh37 (hg19) VCF-style: chr15-42681242-A-G.
Other names: c.749A>G, p.Lys250Arg (NM_024344.2, NM_173087.2); short protein forms K250R.
Identifiers: ClinVar variation 289752 (VCV000289752.19), dbSNP rs779939785, ClinGen allele CA7511103.